The following is an entry in ClinVar:

ClinVar aggregate classification (germline): Pathogenic. Review status: reviewed by expert panel (3 of 4 stars). 14 submissions from 14 submitters: Pathogenic (1). 13 of the submissions do not count toward it. Last evaluated 2026-01-20.

Conditions:
Autosomal recessive limb-girdle muscular dystrophy type 2A (LGMDR1). Also called: Muscular dystrophy, limb-girdle, type 2A, Amish; LEYDEN-MOEBIUS MUSCULAR DYSTROPHY; Limb-girdle muscular dystrophy, type 2A; Calpainopathy; MUSCULAR DYSTROPHY, PELVOFEMORAL. Identifiers: Orphanet 267, MedGen C1869123, MONDO:0009675, OMIM 253600. Disease mechanism: loss of function.
Muscular dystrophy, limb-girdle, autosomal dominant 4. Also called: Calpain-3-related limb-girdle muscular dystrophy D4; MUSCULAR DYSTROPHY, LIMB-GIRDLE, TYPE 1I. Identifiers: Orphanet 565909, MedGen C4748295, MONDO:0029133, OMIM 618129.
Autosomal recessive limb-girdle muscular dystrophy. Identifiers: Orphanet 102015, MedGen C2931907, MONDO:0015152.

Allele frequency attached by ClinVar (database versions not stated): TOPMed below 0.00001; gnomAD exomes 0.00001.
gnomAD v4.1: 11 of 1,602,114 alleles (0.00069%); highest among the groups gnomAD compares: Admixed American, 0.0017%; no homozygotes.

Submissions 1 to 8 of 14:

ClinGen Limb Girdle Muscular Dystrophy Variant Curation Expert Panel, ClinGen
Classification: Pathogenic for Autosomal recessive limb-girdle muscular dystrophy. Last evaluated: 2026-01-20. Review status: reviewed by expert panel. Criteria: ClinGen LGMD VCEP ACMG Specifications CAPN3 V2.0.0. Collection method: curation. Allele origin: germline. Inheritance: Autosomal recessive inheritance.
Comment: The NM_000070.3: c.1343G>A variant in CAPN3 is a missense variant expected to result in the substitution of arginine with histidine at amino acid 448, p.(Arg448His). This variant has been reported in at least 19 unrelated patients with features consistent with limb-girdle muscular dystrophy (PMID: 18854869, 9150160, 32994280, 30564623, 30919934, 25135358, 27447704, 16141003; LOVD CAPN3_000096). It has been observed in the homozygous state in one patient without reported consanguinity (0.5 pts; PMID: 30919934; LOVD Individual #00313874) as well as in five Indian patients without known relatedness but possible consanguinity (0.5 pts; PMID: 35169782). It has also been identified in a heterozygous state in unconfirmed phase with a pathogenic or likely pathogenic CAPN3 variant in several patients, including c.550del (0.5 pts; PMID: 18854869), c.1319G>A p.(Arg440Gln) (0.25 pts; PMID: 18854869), c.2362_2363delinsTCATCT p.(Arg788SerfsTer14) (0.5 pts; PMID: 9150160), and c.2120A>G p.(Asp707Gly) (0.5 pts; PMID: 32994280) (PM3_Strong). At least one patient with two presumed diagnostic CAPN3 alleles, including this variant, displayed progressive limb girdle muscle weakness and absent expression of calpain-3 protein in skeletal muscle, which is highly specific for CAPN3-related LGMD (PMID: 18854869; PP4_Strong). The highest population allele frequency of this variant is 0.000002630 in the Admixed American population of gnomAD v4.1.0 (1/58530 chromosomes), which is less than the ClinGen LGMD VCEP threshold (≤0.0001) (PM2_Supporting). The computational predictor REVEL gives a score of 0.904, which is above the LGMD VCEP threshold of ≥0.70, evidence that correlates with impact to CAPN3 function (PP3). In summary, this variant meets the criteria to be classified as Pathogenic for autosomal recessive limb girdle muscular dystrophy based on the ACMG/AMP criteria applied, as specified by the ClinGen LGMD VCEP (LGMD VCEP specifications version 2.0.0; 01/20/2026): PM3_Strong, PP4_Strong, PM2_Supporting, PP3.

Labcorp Genetics (formerly Invitae), Labcorp
Classification: Pathogenic for Autosomal recessive limb-girdle muscular dystrophy type 2A. Last evaluated: 2025-09-15. Review status: criteria provided, single submitter. Criteria: Invitae Variant Classification Sherloc (09022015). Collection method: clinical testing. Allele origin: germline. Not counted in ClinVar's aggregate classification.
Comment: This sequence change replaces arginine, which is basic and polar, with histidine, which is basic and polar, at codon 448 of the CAPN3 protein (p.Arg448His). The frequency data for this variant in the population databases is considered unreliable, as metrics indicate poor data quality at this position in the gnomAD database. This missense change has been observed in individual(s) with autosomal recessive limb-girdle muscular dystrophy (PMID: 20635405, 25135358, 30919934; internal data). ClinVar contains an entry for this variant (Variation ID: 217149). Invitae Evidence Modeling of protein sequence and biophysical properties (such as structural, functional, and spatial information, amino acid conservation, physicochemical variation, residue mobility, and thermodynamic stability) indicates that this missense variant is expected to disrupt CAPN3 protein function with a positive predictive value of 80%. Experimental studies have shown that this missense change affects CAPN3 function (PMID: 15138196, 21624972). This variant disrupts the p.Arg448 amino acid residue in CAPN3. Other variant(s) that disrupt this residue have been determined to be pathogenic (PMID: 7318636, 10330340, 16141003, 16650086, 18854869, 26404900, 27447704). This suggests that this residue is clinically significant, and that variants that disrupt this residue are likely to be disease-causing. For these reasons, this variant has been classified as Pathogenic.

Natera, Inc.
Classification: Pathogenic for Limb-girdle muscular dystrophy type 2A. Last evaluated: 2025-02-20. Review status: criteria provided, single submitter. Criteria: Natera Variant Classification Schema (03/2026). Collection method: clinical testing. Allele origin: germline. Not counted in ClinVar's aggregate classification.
Comment: The c.1343G>A variant in CAPN3 is a missense variant predicted to cause substitution of arginine to histidine at amino acid 448. This variant is rare in the general population with a frequency below the threshold expected for the associated phenotype(s). This variant has been observed in one or more individuals affected with the associated recessive disease, as either homozygous or compound heterozygous with a second variant (PMID: 18854869, 25135358). A different variant at the same position has been determined to be Pathogenic or Likely Pathogenic. Computational prediction algorithms indicate this variant is likely to affect gene or protein function. Given the available evidence, this variant is classified as Pathogenic.

Fulgent Genetics
Classification: Pathogenic for Autosomal recessive limb-girdle muscular dystrophy type 2A; Muscular dystrophy, limb-girdle, autosomal dominant 4. Last evaluated: 2024-02-22. Review status: criteria provided, single submitter. Criteria: ACMG Guidelines, 2015. Collection method: clinical testing. Allele origin: germline. Not counted in ClinVar's aggregate classification.

Baylor Genetics
Classification: Pathogenic for Muscular dystrophy, limb-girdle, autosomal dominant 4. Last evaluated: 2023-10-05. Review status: criteria provided, single submitter. Criteria: ACMG Guidelines, 2015. Collection method: clinical testing. Allele origin: unknown. Not counted in ClinVar's aggregate classification.

Women's Health and Genetics/Laboratory Corporation of America, LabCorp
Classification: Pathogenic for Autosomal recessive limb-girdle muscular dystrophy. Last evaluated: 2023-09-11. Review status: criteria provided, single submitter. Criteria: LabCorp Variant Classification Summary - May 2015. Collection method: clinical testing. Allele origin: germline. Not counted in ClinVar's aggregate classification.
Comment: Variant summary: CAPN3 c.1343G>A (p.Arg448His) results in a non-conservative amino acid change located in the Peptidase C2, calpain, large subunit, domain III (IPR022682) of the encoded protein sequence. Five of five in-silico tools predict a damaging effect of the variant on protein function. The variant allele was found at a frequency of 1.3e-05 in 235170 control chromosomes (gnomAD). The available data on variant occurrences in the general population are insufficient to allow any conclusion about variant significance. c.1343G>A has been reported in the literature in multiple individuals affected with Limb-Girdle Muscular Dystrophy, Autosomal Recessive (e.g., Fanin_2009, Stehlikova_2014, Ten Dam_2019). These data indicate that the variant is very likely to be associated with disease. The following publications have been ascertained in the context of this evaluation (PMID: 18854869, 25135358, 30919934). Five submitters have reported clinical-significance assessments for this variant to ClinVar after 2014. All submitters classified the variant as pathogenic/likely pathogenic. Based on the evidence outlined above, the variant was classified as pathogenic.

Breakthrough Genomics
Classification: Pathogenic for Autosomal recessive limb-girdle muscular dystrophy type 2A. Last evaluated: 2021-10-01. Review status: criteria provided, single submitter. Criteria: ACMG Guidelines, 2015. Collection method: clinical testing. Allele origin: germline. Affected: yes. Not counted in ClinVar's aggregate classification.
Comment: This variant was previously reported in individuals with autosomal recessive limb-girdle muscular dystrophy [PMID: 25135358, 20635405, 30919934]. Functional studies using animal models in mice have shown that this variant causes Limb-Girdle Muscular Dystrophy with evidence of increased protein degradation and decreasing binding to titin [PMID: 21624972, 11371436].

CeGaT Center for Human Genetics Tuebingen
Classification: Pathogenic. Last evaluated: 2019-04-01. Review status: criteria provided, single submitter. Criteria: CeGaT Center For Human Genetics Tuebingen Variant Classification Criteria Version 2. Collection method: clinical testing. Allele origin: germline. Affected: yes. Observed: 3 variant alleles. Not counted in ClinVar's aggregate classification.

NM_000070.3(CAPN3):c.1343G>A (p.Arg448His)

Gene: CAPN3 (calpain 3; plus strand). Cytogenetic location: 15q15.1.
Variant type: single nucleotide variant.
Coding change: c.1343G>A on transcript NM_000070.3 (MANE Select); coding-DNA position 1343, G replaced by A.
Protein change: p.Arg448His; replaces arginine 448 with histidine.
Molecular consequence: missense variant.
Genome position (GRCh38, 1-based): chr15:42,399,641, G>A. VCF-style: chr15-42399641-G-A. GRCh37 (hg19) VCF-style: chr15-42691839-G-A.
Other names: NM_000070.3(CAPN3):c.1343G>A; c.1199G>A, p.Arg400His (NM_173087.2); c.1343G>A, p.Arg448His (NM_024344.2); short protein forms R448H, R400H.
Identifiers: ClinVar variation 217149 (VCV000217149.65), dbSNP rs863224956, ClinGen allele CA347482.